The following is an entry in ClinVar:

NM_173630.4(RTTN):c.65T>G (p.Leu22Arg)

Gene: RTTN (rotatin; minus strand). Cytogenetic location: 18q22.2.
Variant type: single nucleotide variant.
Coding change: c.65T>G on transcript NM_173630.4 (MANE Select); coding-DNA position 65, T replaced by G.
Protein change: p.Leu22Arg; replaces leucine 22 with arginine.
Molecular consequence: missense variant. On other transcripts: 5 prime UTR variant (1).
Genome position (GRCh38, 1-based): chr18:70,205,282, A>C on the plus strand (T>G on the coding strand, the complement: RTTN is on the minus strand). VCF-style: chr18-70205282-A-C. GRCh37 (hg19) VCF-style: chr18-67872518-A-C.
Other names: c.-2489T>G (NM_001318520.2); short protein forms L22R.
Identifiers: ClinVar variation 3255049 (VCV003255049.1), dbSNP rs758646688.

ClinVar aggregate classification (germline): Uncertain significance (1 of 4 stars; one submission).

Conditions:
Microcephalic primordial dwarfism due to RTTN deficiency (MSSP). Also called: MICROCEPHALY, SHORT STATURE, AND POLYMICROGYRIA; Microcephaly, short stature, and polymicrogyria with or without seizures. Identifiers: Orphanet 468631, MedGen C3553831, MONDO:0018764, OMIM 614833.

gnomAD v4.1: 1 of 1,614,234 alleles (0.000062%); highest among the groups gnomAD compares: Admixed American, 0.0017%; no homozygotes.

Submission:

Victorian Clinical Genetics Services, Murdoch Childrens Research Institute
Classification: Uncertain significance for Microcephalic primordial dwarfism due to RTTN deficiency. Last evaluated: 2023-12-21. Review status: criteria provided, single submitter. Criteria: ACMG Guidelines, 2015. Collection method: clinical testing. Allele origin: germline. Inheritance: Autosomal recessive inheritance. Affected: yes.
Comment: Based on the classification scheme VCGS_Germline_v1.3.4, this variant is classified as VUS-3A. Following criteria are met: 0102 - Loss of function is a known mechanism of disease in this gene and is associated with microcephaly, short stature, and polymicrogyria with seizures (MIM#614833). (I) 0106 - This gene is associated with autosomal recessive disease. (I) 0200 - Variant is predicted to result in a missense amino acid change from leucine to arginine. (I) 0252 - This variant is homozygous. (I) 0304 - Variant is present in gnomAD (v2) <0.01 for a recessive condition (1 heterozygote, 0 homozygotes). (SP) 0309 - An alternative amino acid change at the same position has been observed in gnomAD (v2) (2 heterozygotes, 0 homozygotes). (I) 0501 - Missense variant consistently predicted to be damaging by multiple in silico tools or highly conserved with a major amino acid change. (SP) 0600 - Variant is located in the annotated RTTN_N terminal domain (DECIPHER). (I) 0705 - No comparable missense variants have previous evidence for pathogenicity. (I) 0807 - This variant has no previous evidence of pathogenicity. (I) 0905 - No published segregation evidence has been identified for this variant. (I) 1007 - No published functional evidence has been identified for this variant. (I) 1209 - This variant has been shown to be both maternally and paternally inherited (biallelic, by trio analysis). (I) Legend: (SP) - Supporting pathogenic, (I) - Information, (SB) - Supporting benign